The following is an entry in ClinVar:

ClinVar aggregate classification (germline): Likely pathogenic (1 of 4 stars; one submission).

gnomAD v4.1: 4 of 1,614,200 alleles (0.00025%); highest among the groups gnomAD compares: Non-Finnish European, 0.00025%; no homozygotes.

Submission:

Labcorp Genetics (formerly Invitae), Labcorp
Classification: Likely pathogenic. Last evaluated: 2024-08-07. Review status: criteria provided, single submitter. Criteria: Invitae Variant Classification Sherloc (09022015). Collection method: clinical testing. Allele origin: germline.
Comment: This sequence change falls in intron 1 of the FLAD1 gene. It does not directly change the encoded amino acid sequence of the FLAD1 protein. It affects a nucleotide within the consensus splice site. This variant is not present in population databases (gnomAD no frequency). This variant has been observed in individual(s) with clinical features of multiple acyl-CoA dehydrogenase (MAD) deficiency (Invitae). In at least one individual the data is consistent with being in trans (on the opposite chromosome) from a pathogenic variant. ClinVar contains an entry for this variant (Variation ID: 1936232). Variants that disrupt the consensus splice site are a relatively common cause of aberrant splicing (PMID: 17576681, 9536098). Algorithms developed to predict the effect of sequence changes on RNA splicing suggest that this variant may disrupt the consensus splice site. In summary, the currently available evidence indicates that the variant is pathogenic, but additional data are needed to prove that conclusively. Therefore, this variant has been classified as Likely Pathogenic.

Literature cited by the submitters: PubMed 17576681; PubMed 9536098.

NM_025207.5(FLAD1):c.373-3C>G

Gene: FLAD1 (flavin adenine dinucleotide synthetase 1; plus strand). Cytogenetic location: 1q21.3.
Variant type: single nucleotide variant.
Coding change: c.373-3C>G on transcript NM_025207.5 (MANE Select); 3 bases into the intron before coding-DNA position 373, C replaced by G.
Molecular consequence: intron variant. On other transcripts: missense variant (1).
Genome position (GRCh38, 1-based): chr1:154,988,102, C>G. VCF-style: chr1-154988102-C-G. GRCh37 (hg19) VCF-style: chr1-154960578-C-G.
Other names: c.73C>G, p.Gln25Glu (NM_001184892.2); c.82-3C>G (NM_001184891.2, NM_201398.3); short protein forms Q25E.
Identifiers: ClinVar variation 1936232 (VCV001936232.5), dbSNP rs375023842, ClinGen allele CA342741664.